The following is an entry in ClinVar:

ClinVar aggregate classification (germline): Uncertain significance. Review status: criteria provided, multiple submitters, no conflicts (2 of 4 stars). 3 submissions from 3 submitters: Uncertain significance (3). Last evaluated 2025-12-15.

Conditions:
Hereditary cancer-predisposing syndrome. Also called: Neoplastic Syndromes, Hereditary; Hereditary Cancer Syndrome; Tumor predisposition; Hereditary neoplastic syndrome. Identifiers: Orphanet 140162, MedGen C0027672, MeSH D009386, MONDO:0015356.

Submissions (3):

Labcorp Genetics (formerly Invitae), Labcorp
Classification: Uncertain significance. Last evaluated: 2025-12-15. Review status: criteria provided, single submitter. Criteria: Invitae Variant Classification Sherloc (09022015). Collection method: clinical testing. Allele origin: germline.
Comment: This sequence change replaces lysine, which is basic and polar, with arginine, which is basic and polar, at codon 1070 of the POLE protein (p.Lys1070Arg). This variant is not present in population databases (gnomAD no frequency). This variant has not been reported in the literature in individuals affected with POLE-related conditions. ClinVar contains an entry for this variant (Variation ID: 853658). Invitae Evidence Modeling of protein sequence and biophysical properties (such as structural, functional, and spatial information, amino acid conservation, physicochemical variation, residue mobility, and thermodynamic stability) indicates that this missense variant is not expected to disrupt POLE protein function with a negative predictive value of 80%. In summary, the available evidence is currently insufficient to determine the role of this variant in disease. Therefore, it has been classified as a Variant of Uncertain Significance.

Ambry Genetics
Classification: Uncertain significance for Hereditary cancer-predisposing syndrome. Last evaluated: 2024-02-23. Review status: criteria provided, single submitter. Criteria: Ambry Variant Classification Scheme 2023. Collection method: clinical testing. Allele origin: germline.
Comment: The p.K1070R variant (also known as c.3209A>G), located in coding exon 26 of the POLE gene, results from an A to G substitution at nucleotide position 3209. The lysine at codon 1070 is replaced by arginine, an amino acid with highly similar properties. This amino acid position is conserved. In addition, this alteration is predicted to be tolerated by in silico analysis. Since supporting evidence is limited at this time, the clinical significance of this alteration remains unclear.

GeneDx
Classification: Uncertain significance. Last evaluated: 2020-11-25. Review status: criteria provided, single submitter. Criteria: GeneDx Variant Classification Process June 2021. Collection method: clinical testing. Allele origin: germline. Affected: yes.
Comment: Not observed in large population cohorts (Lek 2016); In silico analysis supports that this missense variant has a deleterious effect on protein structure/function; Has not been previously published as pathogenic or benign to our knowledge

NM_006231.4(POLE):c.3209A>G (p.Lys1070Arg)

Gene: POLE (DNA polymerase epsilon, catalytic subunit; minus strand). Cytogenetic location: 12q24.33.
Variant type: single nucleotide variant.
Coding change: c.3209A>G on transcript NM_006231.4 (MANE Select); coding-DNA position 3209, A replaced by G.
Protein change: p.Lys1070Arg; replaces lysine 1070 with arginine.
Molecular consequence: missense variant.
Genome position (GRCh38, 1-based): chr12:132,659,361, T>C on the plus strand (A>G on the coding strand, the complement: POLE is on the minus strand). VCF-style: chr12-132659361-T-C. GRCh37 (hg19) VCF-style: chr12-133235947-T-C.
Other names: short protein forms K1070R.
Identifiers: ClinVar variation 853658 (VCV000853658.13), dbSNP rs2042628757, ClinGen allele CA387390524.